The following is an entry in ClinVar:

ClinVar aggregate classification (germline): Likely benign (1 of 4 stars; one submission).

Conditions:
PKD1-related disorder. Also called: PKD1-related condition.

gnomAD v4.1: 52 of 1,606,450 alleles (0.0032%); highest among the groups gnomAD compares: East Asian, 0.031%; no homozygotes.

Submission:

PreventionGenetics, part of Exact Sciences
Classification: Likely benign for PKD1-related condition. Last evaluated: 2026-07-27. Review status: criteria provided, single submitter. Criteria: ACMG Guidelines, 2015. Collection method: clinical testing. Allele origin: germline.
Comment: This variant is classified as likely benign based on ACMG/AMP sequence variant interpretation guidelines (Richards et al. 2015 PMID: 25741868, with internal and published modifications).

NM_001009944.3(PKD1):c.3084G>A (p.Pro1028=)

Gene: PKD1 (polycystin 1, transient receptor potential channel interacting; minus strand). Cytogenetic location: 16p13.3.
Variant type: single nucleotide variant.
Coding change: c.3084G>A on transcript NM_001009944.3 (MANE Select); coding-DNA position 3084, G replaced by A.
Protein change: p.Pro1028=; no amino-acid change (proline 1028 retained).
Molecular consequence: synonymous variant.
Genome position (GRCh38, 1-based): chr16:2,112,865, C>T on the plus strand (G>A on the coding strand, the complement: PKD1 is on the minus strand). VCF-style: chr16-2112865-C-T. GRCh37 (hg19) VCF-style: chr16-2162866-C-T.
Other names: c.3084G>A, p.Pro1028= (NM_000296.4).
Identifiers: ClinVar variation 4977921 (VCV004977921.1).
Genomic context (GRCh38, chr16:2,112,865, plus strand): 5'-GGCCGAGTCCACCAGCACGCCCGCCGTCAGTGCTAGCGTGGCATTGGGGGACAGCACGGC[C>T]GGCACTGTGGAGACCTGCAGACCCTGCATCCTGTTCATCCGCTCCACGGTTACGTTGTAG-3'
Protein context (NP_001009944.3, residues 1018-1038): RMQGLQVSTV[Pro1028=]AVLSPNATLA